The following is an entry in ClinVar:

NM_001458.5(FLNC):c.5183G>A (p.Ser1728Asn)

Gene: FLNC (filamin C; plus strand). Cytogenetic location: 7q32.1.
Variant type: single nucleotide variant.
Coding change: c.5183G>A on transcript NM_001458.5 (MANE Select); coding-DNA position 5183, G replaced by A.
Protein change: p.Ser1728Asn; replaces serine 1728 with asparagine.
Molecular consequence: missense variant.
Genome position (GRCh38, 1-based): chr7:128,849,562, G>A. VCF-style: chr7-128849562-G-A. GRCh37 (hg19) VCF-style: chr7-128489616-G-A.
Other names: c.5183G>A, p.Ser1728Asn (NM_001127487.2); short protein forms S1728N.
Identifiers: ClinVar variation 2935105 (VCV002935105.3), dbSNP rs1182715293, ClinGen allele CA369204371.

ClinVar aggregate classification (germline): Uncertain significance (1 of 4 stars; one submission).

Conditions:
Myofibrillar myopathy 5. Also called: Filaminopathy (type); FILAMINOPATHY, AUTOSOMAL DOMINANT. Identifiers: Orphanet 171445, MedGen C1836050, MONDO:0012289, OMIM 609524.
Distal myopathy with posterior leg and anterior hand involvement. Also called: WILLIAMS DISTAL MYOPATHY. Identifiers: Orphanet 63273, MedGen C3279722, MONDO:0013550, OMIM 614065.
Hypertrophic cardiomyopathy 26. Also called: Cardiomyopathy, familial hypertrophic, 26. Identifiers: Orphanet 75249, MedGen C4310749, MONDO:0014883, OMIM 617047.

Allele frequency attached by ClinVar (database versions not stated): gnomAD exomes below 0.00001.
gnomAD v4.1: 1 of 1,613,970 alleles (0.000062%); highest among the groups gnomAD compares: East Asian, 0.0022%; no homozygotes.

Submission:

Labcorp Genetics (formerly Invitae), Labcorp
Classification: Uncertain significance for Distal myopathy with posterior leg and anterior hand involvement; Myofibrillar myopathy 5; Hypertrophic cardiomyopathy 26. Last evaluated: 2023-07-05. Review status: criteria provided, single submitter. Criteria: Invitae Variant Classification Sherloc (09022015). Collection method: clinical testing. Allele origin: germline.
Comment: This sequence change replaces serine, which is neutral and polar, with asparagine, which is neutral and polar, at codon 1728 of the FLNC protein (p.Ser1728Asn). This variant is present in population databases (no rsID available, gnomAD 0.006%). This variant has not been reported in the literature in individuals affected with FLNC-related conditions. Advanced modeling of protein sequence and biophysical properties (such as structural, functional, and spatial information, amino acid conservation, physicochemical variation, residue mobility, and thermodynamic stability) has been performed at Invitae for this missense variant, however the output from this modeling did not meet the statistical confidence thresholds required to predict the impact of this variant on FLNC protein function. In summary, the available evidence is currently insufficient to determine the role of this variant in disease. Therefore, it has been classified as a Variant of Uncertain Significance.